The following is an entry in ClinVar:

ClinVar aggregate classification (germline): Uncertain significance (1 of 4 stars; one submission).

Submission:

Labcorp Genetics (formerly Invitae), Labcorp
Classification: Uncertain significance. Last evaluated: 2022-03-24. Review status: criteria provided, single submitter. Criteria: Invitae Variant Classification Sherloc (09022015). Collection method: clinical testing. Allele origin: germline.
Comment: Algorithms developed to predict the effect of missense changes on protein structure and function (SIFT, PolyPhen-2, Align-GVGD) all suggest that this variant is likely to be tolerated. In summary, the available evidence is currently insufficient to determine the role of this variant in disease. Therefore, it has been classified as a Variant of Uncertain Significance. This variant has not been reported in the literature in individuals affected with C2-related conditions. This variant is not present in population databases (gnomAD no frequency). This sequence change replaces asparagine, which is neutral and polar, with serine, which is neutral and polar, at codon 312 of the C2 protein (p.Asn312Ser).

NM_000063.6(C2):c.935A>G (p.Asn312Ser)

Genes: C2 (complement C2; plus strand), C2-AS1 (C2 antisense RNA 1; minus strand). Cytogenetic location: 6p21.33.
Variant type: single nucleotide variant.
Coding change: c.935A>G on transcript NM_000063.6 (MANE Select); coding-DNA position 935, A replaced by G.
Protein change: p.Asn312Ser; replaces asparagine 312 with serine.
Molecular consequence: missense variant. On other transcripts: intron variant (1).
Genome position (GRCh38, 1-based): chr6:31,936,008, A>G. VCF-style: chr6-31936008-A-G. GRCh37 (hg19) VCF-style: chr6-31903785-A-G.
Other names: c.539A>G, p.Asn180Ser (NM_001145903.3); c.197A>G, p.Asn66Ser (NM_001282457.2); c.848A>G, p.Asn283Ser (NM_001282458.2); c.347-1311A>G (NM_001178063.3); short protein forms N180S, N283S, N66S, N312S.
Identifiers: ClinVar variation 2116506 (VCV002116506.2), dbSNP rs2482548033, ClinGen allele CA363369974.